The following is an entry in ClinVar:

NM_001001331.4(ATP2B2):c.2129G>A (p.Arg710Gln)

Gene: ATP2B2 (ATPase plasma membrane Ca2+ transporting 2; minus strand). Cytogenetic location: 3p25.3.
Variant type: single nucleotide variant.
Coding change: c.2129G>A on transcript NM_001001331.4 (MANE Select); coding-DNA position 2129, G replaced by A.
Protein change: p.Arg710Gln; replaces arginine 710 with glutamine.
Molecular consequence: missense variant.
Genome position (GRCh38, 1-based): chr3:10,358,698, C>T on the plus strand (G>A on the coding strand, the complement: ATP2B2 is on the minus strand). VCF-style: chr3-10358698-C-T. GRCh37 (hg19) VCF-style: chr3-10400382-C-T.
Other names: c.1994G>A, p.Arg665Gln (NM_001330611.3, NM_001353564.1, NM_001363862.1 and 1 more transcripts); short protein forms R665Q, R710Q.
Identifiers: ClinVar variation 3776361 (VCV003776361.1).
Genomic context (GRCh38, chr3:10,358,698, plus strand): 5'-CTGGCCTCCCAGCCTCATCCCCTTTCCCTGAGCTCGCTGGCCCTGGGGCCTACCTCTGGC[C>T]GCACCGGGTCCTCGATGCCCACCACGCAGATGCAGGTGAGTTCGTTGAGGATGTCATTCT-3'
Protein context (NP_001001331.1, residues 700-720): ICVVGIEDPV[Arg710Gln]PEVPEAIRKC

ClinVar aggregate classification (germline): Uncertain significance (1 of 4 stars; one submission).

Submission:

GeneDx
Classification: Uncertain significance. Last evaluated: 2024-10-07. Review status: criteria provided, single submitter. Criteria: GeneDx Variant Classification Process June 2021. Collection method: clinical testing. Allele origin: germline. Affected: yes.
Comment: Not observed at significant frequency in large population cohorts (gnomAD); In silico analysis supports that this missense variant has a deleterious effect on protein structure/function; Has not been previously published as pathogenic or benign to our knowledge